The following is an entry in ClinVar:

ClinVar aggregate classification (germline): Uncertain significance (1 of 4 stars; one submission).

Conditions:
Inflammatory bowel disease-recurrent sinopulmonary infections syndrome. Identifiers: Orphanet 529980, MedGen C5568532, MONDO:0033969.
Immunodeficiency. Identifiers: MedGen C0021051, MONDO:0021094, HP:0002721.

Allele frequency attached by ClinVar (database versions not stated): gnomAD exomes below 0.00001 and 0.00001; TOPMed below 0.00001; ExAC 0.00001.
gnomAD v4.1: 6 of 1,614,198 alleles (0.00037%); highest among the groups gnomAD compares: Non-Finnish European, 0.00034%; no homozygotes.

Submission:

Labcorp Genetics (formerly Invitae), Labcorp
Classification: Uncertain significance for Immunodeficiency. Last evaluated: 2025-10-07. Review status: criteria provided, single submitter. Criteria: Invitae Variant Classification Sherloc (09022015). Collection method: clinical testing. Allele origin: germline.
Comment: This sequence change replaces proline, which is neutral and non-polar, with glutamine, which is neutral and polar, at codon 781 of the NFAT5 protein (p.Pro781Gln). This variant is present in population databases (rs746671507, gnomAD 0.002%). This variant has not been reported in the literature in individuals affected with NFAT5-related conditions. ClinVar contains an entry for this variant (Variation ID: 643965). An algorithm developed to predict the effect of missense changes on protein structure and function outputs the following: PolyPhen-2: "Benign". The glutamine amino acid residue is found in multiple mammalian species, which suggests that this missense change does not adversely affect protein function. In summary, the available evidence is currently insufficient to determine the role of this variant in disease. Therefore, it has been classified as a Variant of Uncertain Significance.

NM_138713.4(NFAT5):c.2624C>A (p.Pro875Gln)

Gene: NFAT5 (nuclear factor of activated T cells 5; plus strand). Cytogenetic location: 16q22.1.
Variant type: single nucleotide variant.
Coding change: c.2624C>A on transcript NM_138713.4 (MANE Select); coding-DNA position 2624, C replaced by A.
Protein change: p.Pro875Gln; replaces proline 875 with glutamine.
Molecular consequence: missense variant.
Genome position (GRCh38, 1-based): chr16:69,692,449, C>A. VCF-style: chr16-69692449-C-A. GRCh37 (hg19) VCF-style: chr16-69726352-C-A.
Other names: c.2624C>A, p.Pro875Gln (LRG_1332t1); c.2621C>A, p.Pro874Gln (NM_001113178.3); c.1949C>A, p.Pro650Gln (NM_001367709.1); c.2570C>A, p.Pro857Gln (NM_006599.4); c.2342C>A, p.Pro781Gln (NM_138714.4, NM_173214.3, NM_173215.3); short protein forms P875Q, P650Q, P874Q, P781Q, P857Q.
Identifiers: ClinVar variation 643965 (VCV000643965.11), dbSNP rs746671507, ClinGen allele CA8135780.
Genomic context (GRCh38, chr16:69,692,449, plus strand): 5'-TTCAGAGTGGTGTAAGCCCTGGAATGTTTTCCTCAACAGAGCCAACAGTCCATACCAGAC[C>A]AGATAATTTATTACCTGGAAGAGCTGAAAGTGTTCATCCACAGTCTGAAAACACGTTATC-3'
Protein context (NP_619727.2, residues 865-885): SSTEPTVHTR[Pro875Gln]DNLLPGRAES